The following is an entry in ClinVar:

ClinVar aggregate classification (germline): Uncertain significance. Review status: criteria provided, multiple submitters, no conflicts (2 of 4 stars). 2 submissions from 2 submitters: Uncertain significance (2). Last evaluated 2026-04-24.

Conditions:
Hyperinsulinemic hypoglycemia, familial, 1 (HHF1). Also called: Persistent hyperinsulinemic hypoglycemia of infancy; HYPERINSULINISM, FAMILIAL, WITH PANCREATIC NESIDIOBLASTOSIS; HYPOGLYCEMIA, HYPERINSULINEMIC, OF INFANCY; NESIDIOBLASTOSIS OF PANCREAS; Persistent Hyperinsulinemia Hypoglycemia of Infancy. Identifiers: Orphanet 276575, Orphanet 276598, MedGen C2931832, MONDO:0009734, OMIM 256450.

gnomAD v4.1: 2 of 1,613,914 alleles (0.00012%); highest among the groups gnomAD compares: Non-Finnish European, 0.00017%; no homozygotes.

Submissions (2):

Myriad Genetics, Inc.
Classification: Uncertain significance for Hyperinsulinemic hypoglycemia, familial, 1. Last evaluated: 2026-04-24. Review status: criteria provided, single submitter. Criteria: Myriad Autosomal Dominant, Autosomal Recessive and X-Linked Classification Criteria (2023). Collection method: clinical testing. Allele origin: unknown.
Comment: NM_000352.3(ABCC8):c.2159C>T(S720F) is a missense variant classified as a variant of uncertain significance in the context of familial hyperinsulinism, ABCC8-related. S720F has been observed in cases with relevant disease (PMID: 23275527, 34927408). Relevant functional assessments of this variant are not available in the literature. S720F has not been observed in referenced population frequency databases. In summary, there is insufficient evidence to classify NM_000352.3(ABCC8):c.2159C>T(S720F) as pathogenic or benign. Please note: this variant was assessed in the context of healthy population screening.

Blueprint Genetics
Classification: Uncertain significance. Last evaluated: 2024-08-16. Review status: criteria provided, single submitter. Criteria: ACMG Guidelines, 2015. Collection method: clinical testing. Allele origin: germline.

Literature cited by the submitters: PubMed 23275527 (cited by Myriad Genetics, Inc.); PubMed 34927408 (cited by Myriad Genetics, Inc.).

NM_000352.6(ABCC8):c.2159C>T (p.Ser720Phe)

Gene: ABCC8 (ATP binding cassette subfamily C member 8; minus strand). Cytogenetic location: 11p15.1.
Variant type: single nucleotide variant.
Coding change: c.2159C>T on transcript NM_000352.6 (MANE Select); coding-DNA position 2159, C replaced by T.
Protein change: p.Ser720Phe; replaces serine 720 with phenylalanine.
Molecular consequence: missense variant. On other transcripts: non-coding transcript variant (1).
Genome position (GRCh38, 1-based): chr11:17,427,112, G>A on the plus strand (C>T on the coding strand, the complement: ABCC8 is on the minus strand). VCF-style: chr11-17427112-G-A. GRCh37 (hg19) VCF-style: chr11-17448659-G-A.
Other names: c.2159C>T, p.Ser720Phe (NM_001287174.3); c.2225C>T, p.Ser742Phe (NM_001351295.2); c.2156C>T, p.Ser719Phe (NM_001351296.2, NM_001351297.2); short protein forms S719F, S742F, S720F.
Identifiers: ClinVar variation 4910742 (VCV004910742.2).